The following is an entry in ClinVar:

NM_000059.4(BRCA2):c.2229T>C (p.His743=)

Gene: BRCA2 (BRCA2 DNA repair associated; plus strand). Cytogenetic location: 13q13.1.
Variant type: single nucleotide variant.
Coding change: c.2229T>C on transcript NM_000059.4 (MANE Select); coding-DNA position 2229, T replaced by C.
Protein change: p.His743=; no amino-acid change (histidine 743 retained).
Molecular consequence: synonymous variant.
Genome position (GRCh38, 1-based): chr13:32,336,584, T>C. VCF-style: chr13-32336584-T-C. GRCh37 (hg19) VCF-style: chr13-32910721-T-C.
Other names: 2457T/C; H743H; p.H743H:CAT>CAC; 2457 T>C; NP_000050.3:p.His743=; 2457T>C.
Identifiers: ClinVar variation 125979 (VCV000125979.94), dbSNP rs1801499, ClinGen allele CA014685.

ClinVar aggregate classification (germline): Benign. Review status: reviewed by expert panel (3 of 4 stars). 34 submissions from 32 submitters: Benign (1). 33 of the submissions do not count toward it. Last evaluated 2015-01-12.

Conditions:
Wilms tumor 1 (WT1). Also called: Wilms tumor, somatic. Identifiers: Orphanet 654, MedGen CN033288, MONDO:0008679, OMIM 194070.
Prostate cancer. Also called: Malignant tumor of prostate. Identifiers: Orphanet 1331, MedGen C0376358, MONDO:0008315, HP:0012125.
Familial cancer of breast. Also called: BREAST CANCER, FAMILIAL; Hereditary breast cancer; hereditary breast carcinoma. Identifiers: Orphanet 227535, MedGen C0346153, MONDO:0016419, OMIM 114480. Disease mechanism: loss of function.
Fanconi anemia complementation group D1. Also called: BRCA2-Related Fanconi Anemia. Identifiers: Orphanet 319462, MedGen C1838457, MONDO:0011584, OMIM 605724.
Medulloblastoma (MDB). Also called: Medulloblastoma, somatic; MEDULLOBLASTOMA PREDISPOSITION SYNDROME. Identifiers: Orphanet 616, MedGen C0025149, MeSH D008527, MONDO:0007959, OMIM 155255, HP:0002885.
Breast-ovarian cancer, familial, susceptibility to, 2 (BROVCA2). Also called: BRCA2 Hereditary Breast and Ovarian Cancer. Identifiers: Orphanet 145, MedGen C2675520, MONDO:0012933, OMIM 612555. Disease mechanism: loss of function.
Pancreatic cancer, susceptibility to, 2. Identifiers: Orphanet 1333, MedGen C3150546, MONDO:0013235, OMIM 613347.
Glioma susceptibility 3 (GLM3). Also called: Glioblastoma 3. Identifiers: Orphanet 182067, Orphanet 360, MedGen C2751641, MONDO:0013093, OMIM 613029.
Hereditary cancer-predisposing syndrome. Also called: Hereditary Cancer Syndrome; Tumor predisposition; Hereditary neoplastic syndrome; Neoplastic Syndromes, Hereditary. Identifiers: Orphanet 140162, MedGen C0027672, MeSH D009386, MONDO:0015356.
Hereditary breast ovarian cancer syndrome. Also called: Hereditary breast and/or ovarian cancer syndrome; Hereditary breast and ovarian cancer syndrome; Hereditary breast and ovarian cancer syndrome (HBOC); Hereditary breast and ovarian cancer; Breast and ovarian cancer; BRCA1- and BRCA2-Associated Hereditary Breast and Ovarian Cancer. Identifiers: Orphanet 145, MedGen C0677776, MeSH D061325, MONDO:0003582. Disease mechanism: loss of function.

Allele frequency attached by ClinVar (database versions not stated): gnomAD exomes 0.04203 and 0.05271; TOPMed 0.04229; 1000 Genomes Project 30x 0.07370; gnomAD 0.04095 and 0.03698; ExAC 0.05158; 1000 Genomes Project 0.07348; ESP Exome Variant Server 0.03129.
gnomAD v4.1: 67,892 of 1,613,968 alleles (4.2%); highest among the groups gnomAD compares: East Asian, 12%; 2,195 homozygotes.

Submissions 1 to 20 of 34:

Evidence-based Network for the Interpretation of Germline Mutant Alleles (ENIGMA)
Classification: Benign for Breast-ovarian cancer, familial 2. Last evaluated: 2015-01-12. Review status: reviewed by expert panel. Criteria: ENIGMA BRCA1/2 Classification Criteria (2015). Collection method: curation. Allele origin: germline.
Comment: Class 1 not pathogenic based on frequency >1% in an outbred sampleset. Frequency 0.1031 (Asian), 0.01423 (African), 0.03694 (European), derived from 1000 genomes (2012-04-30).

Labcorp Genetics (formerly Invitae), Labcorp
Classification: Benign for Hereditary breast ovarian cancer syndrome. Last evaluated: 2026-02-04. Review status: criteria provided, single submitter. Criteria: Invitae Variant Classification Sherloc (09022015). Collection method: clinical testing. Allele origin: germline. Not counted in ClinVar's aggregate classification.

ARUP Laboratories, Molecular Genetics and Genomics, ARUP Laboratories
Classification: Benign. Last evaluated: 2025-07-31. Review status: criteria provided, single submitter. Criteria: ARUP Molecular Germline Variant Investigation Process 2024. Collection method: clinical testing. Allele origin: germline. Not counted in ClinVar's aggregate classification.

Center for Genomic Medicine, Rigshospitalet, Copenhagen University Hospital
Classification: Benign. Last evaluated: 2025-03-04. Review status: criteria provided, single submitter. Criteria: ACMG Guidelines, 2015. Collection method: clinical testing. Allele origin: germline. Not counted in ClinVar's aggregate classification.

KCCC/NGS Laboratory, Kuwait Cancer Control Center
Classification: Benign for Familial cancer of breast. Last evaluated: 2025-02-01. Review status: criteria provided, single submitter. Criteria: ACMG Guidelines, 2015. Collection method: clinical testing. Allele origin: germline. Affected: no. Not counted in ClinVar's aggregate classification.

Blueprint Genetics
Classification: Benign. Last evaluated: 2024-11-27. Review status: criteria provided, single submitter. Criteria: ACMG Guidelines, 2015. Collection method: clinical testing. Allele origin: germline. Not counted in ClinVar's aggregate classification.

KCCC/NGS Laboratory, Kuwait Cancer Control Center
Classification: Benign for Breast-ovarian cancer, familial, susceptibility to, 2. Last evaluated: 2023-07-07. Review status: criteria provided, single submitter. Criteria: ACMG Guidelines, 2015. Collection method: clinical testing. Allele origin: germline. Affected: yes. Not counted in ClinVar's aggregate classification.

National Health Laboratory Service, Universitas Academic Hospital and University of the Free State
Classification: Benign for Hereditary breast ovarian cancer syndrome. Last evaluated: 2022-04-19. Review status: criteria provided, single submitter. Criteria: ACMG Guidelines, 2015. Collection method: clinical testing. Allele origin: germline. Affected: yes. Observed: 81 variant alleles. Not counted in ClinVar's aggregate classification.

Genetics Program, Instituto Nacional de Cancer
Classification: Benign for Hereditary breast ovarian cancer syndrome. Last evaluated: 2021-11-01. Review status: criteria provided, single submitter. Criteria: ACMG Guidelines, 2015. Collection method: research. Allele origin: germline. Affected: yes. Not counted in ClinVar's aggregate classification.

Fulgent Genetics
Classification: Benign for Familial cancer of breast; Medulloblastoma; Familial prostate cancer; Wilms tumor 1; Fanconi anemia complementation group D1; Breast-ovarian cancer, familial, susceptibility to, 2; Glioma susceptibility 3; Pancreatic cancer, susceptibility to, 2. Last evaluated: 2018-10-31. Review status: criteria provided, single submitter. Criteria: ACMG Guidelines, 2015. Collection method: clinical testing. Allele origin: unknown. Not counted in ClinVar's aggregate classification.

Illumina Laboratory Services, Illumina
Classification: Benign for Fanconi anemia complementation group D1. Last evaluated: 2018-01-13. Review status: criteria provided, single submitter. Criteria: ICSL Variant Classification Criteria 13 December 2019. Collection method: clinical testing. Allele origin: germline. Not counted in ClinVar's aggregate classification.
Comment: This variant was observed in the ICSL laboratory as part of a predisposition screen in an ostensibly healthy population. It had not been previously curated by ICSL or reported in the Human Gene Mutation Database (HGMD: prior to June 1st, 2018), and was therefore a candidate for classification through an automated scoring system. Utilizing variant allele frequency, disease prevalence and penetrance estimates, and inheritance mode, an automated score was calculated to assess if this variant is too frequent to cause the disease. Based on the score and internal cut-off values, a variant classified as benign is not then subjected to further curation. The score for this variant resulted in a classification of benign for this disease.

Illumina Laboratory Services, Illumina
Classification: Benign for Breast-ovarian cancer, familial, susceptibility to, 2. Last evaluated: 2018-01-13. Review status: criteria provided, single submitter. Criteria: ICSL Variant Classification Criteria 13 December 2019. Collection method: clinical testing. Allele origin: germline. Not counted in ClinVar's aggregate classification.
Comment: the same text as in the submission from Illumina Laboratory Services, Illumina above.

GeneKor MSA
Classification: Benign. Last evaluated: 2017-11-01. Review status: criteria provided, single submitter. Criteria: ACMG Guidelines, 2015. Collection method: clinical testing. Allele origin: germline. Affected: yes. Not counted in ClinVar's aggregate classification.

Cancer Genetics and Genomics Laboratory, British Columbia Cancer Agency
Classification: Benign. Last evaluated: 2017-04-18. Review status: criteria provided, single submitter. Criteria: ACMG Guidelines, 2015. Collection method: clinical testing. Allele origin: germline. Study: The Canadian Open Genetics Repository (COGR). Not counted in ClinVar's aggregate classification.

Baylor Genetics
Classification: Benign for Familial cancer of breast. Last evaluated: 2017-02-23. Review status: criteria provided, single submitter. Criteria: ACMG Guidelines, 2015. Collection method: clinical testing. Allele origin: germline. Inheritance: Autosomal dominant inheritance. Affected: no. Not counted in ClinVar's aggregate classification.

Clinical Genetics DNA and cytogenetics Diagnostics Lab, Erasmus MC, Erasmus Medical Center
Classification: Benign for Breast-ovarian cancer, familial, susceptibility to, 2. Last evaluated: 2015-09-21. Review status: criteria provided, single submitter. Criteria: ACGS Guidelines, 2013. Collection method: clinical testing. Allele origin: germline. Affected: yes. Study: VKGL Data-share Consensus. Not counted in ClinVar's aggregate classification.

Eurofins Ntd Llc (ga)
Classification: Benign. Last evaluated: 2015-06-30. Review status: criteria provided, single submitter. Criteria: EGL Classification Definitions 2015. Collection method: clinical testing. Allele origin: germline. Observed: 47 variant alleles, 46 heterozygotes, 1 homozygote. Not counted in ClinVar's aggregate classification.

Color Diagnostics, LLC DBA Color Health
Classification: Benign for Hereditary cancer-predisposing syndrome. Last evaluated: 2015-03-31. Review status: criteria provided, single submitter. Criteria: ACMG Guidelines, 2015. Collection method: clinical testing. Allele origin: germline. Not counted in ClinVar's aggregate classification.

Ambry Genetics
Classification: Benign for Hereditary cancer-predisposing syndrome. Last evaluated: 2014-11-19. Review status: criteria provided, single submitter. Criteria: Ambry Variant Classification Scheme 2023. Collection method: clinical testing. Allele origin: germline. Not counted in ClinVar's aggregate classification.

Molecular Genetics Laboratory, University of Michigan
Classification: Benign for Breast-ovarian cancer, familial, susceptibility to, 2. Last evaluated: 2014-11-03. Review status: criteria provided, single submitter. Criteria: ACMG Guidelines, 2015. Collection method: clinical testing. Allele origin: germline. Affected: yes. Not counted in ClinVar's aggregate classification.